The following is an entry in ClinVar:

NM_000130.5(F5):c.2707G>A (p.Gly903Arg)

Gene: F5 (coagulation factor V; minus strand). Cytogenetic location: 1q24.2.
Variant type: single nucleotide variant.
Coding change: c.2707G>A on transcript NM_000130.5 (MANE Select); coding-DNA position 2707, G replaced by A.
Protein change: p.Gly903Arg; replaces glycine 903 with arginine.
Molecular consequence: missense variant.
Genome position (GRCh38, 1-based): chr1:169,542,383, C>T on the plus strand (G>A on the coding strand, the complement: F5 is on the minus strand). VCF-style: chr1-169542383-C-T. GRCh37 (hg19) VCF-style: chr1-169511621-C-T.
Other names: short protein forms G903R.
Identifiers: ClinVar variation 4751178 (VCV004751178.1).

ClinVar aggregate classification (germline): Uncertain significance (1 of 4 stars; one submission).

Conditions:
Congenital factor V deficiency. Also called: LABILE FACTOR DEFICIENCY; OWREN PARAHEMOPHILIA; PARAHEMOPHILIA; Hereditary factor V deficiency disease. Identifiers: Orphanet 326, MedGen C0015499, MONDO:0009210, OMIM 227400.

gnomAD v4.1: 33 of 1,613,756 alleles (0.002%); highest among the groups gnomAD compares: South Asian, 0.0022%; no homozygotes.

Submission:

Labcorp Genetics (formerly Invitae), Labcorp
Classification: Uncertain significance for Congenital factor V deficiency. Last evaluated: 2025-12-23. Review status: criteria provided, single submitter. Criteria: Invitae Variant Classification Sherloc (09022015). Collection method: clinical testing. Allele origin: germline.
Comment: This sequence change replaces glycine, which is neutral and non-polar, with arginine, which is basic and polar, at codon 903 of the F5 protein (p.Gly903Arg). This variant is present in population databases (rs768379997, gnomAD 0.009%). This variant has not been reported in the literature in individuals affected with F5-related conditions. Invitae Evidence Modeling of protein sequence and biophysical properties (such as structural, functional, and spatial information, amino acid conservation, physicochemical variation, residue mobility, and thermodynamic stability) indicates that this missense variant is not expected to disrupt F5 protein function with a negative predictive value of 95%. In summary, the available evidence is currently insufficient to determine the role of this variant in disease. Therefore, it has been classified as a Variant of Uncertain Significance.